The following is an entry in ClinVar:

NM_000419.5(ITGA2B):c.2602-3C>A

Gene: ITGA2B (integrin subunit alpha 2b; minus strand). Cytogenetic location: 17q21.31.
Variant type: single nucleotide variant.
Coding change: c.2602-3C>A on transcript NM_000419.5 (MANE Select); 3 bases into the intron before coding-DNA position 2602, C replaced by A.
Molecular consequence: intron variant.
Genome position (GRCh38, 1-based): chr17:44,375,719, G>T on the plus strand (C>A on the coding strand, the complement: ITGA2B is on the minus strand). VCF-style: chr17-44375719-G-T. GRCh37 (hg19) VCF-style: chr17-42453087-G-T.
Identifiers: ClinVar variation 996161 (VCV000996161.4), dbSNP rs763330792, ClinGen allele CA8602635.

ClinVar aggregate classification (germline): Uncertain significance (3 of 4 stars; one submission).

Conditions:
Glanzmann thrombasthenia. Also called: Glanzmann's thrombasthenia; PLATELET GLYCOPROTEIN IIb-IIIa DEFICIENCY; BLEEDING DISORDER, PLATELET-TYPE, 2; THROMBASTHENIA OF GLANZMANN AND NAEGELI; Thrombasthenia. Identifiers: Orphanet 849, MedGen C0040015, MONDO:0100326.

Allele frequency attached by ClinVar (database versions not stated): ExAC below 0.00001; TOPMed 0.00002.
gnomAD v4.1: 8 of 1,572,764 alleles (0.00051%); highest among the groups gnomAD compares: Admixed American, 0.0019%; no homozygotes.

Submission:

ClinGen Platelet Disorders Variant Curation Expert Panel, ClinGen
Classification: Uncertain significance for Glanzmann thrombasthenia. Last evaluated: 2023-09-07. Review status: reviewed by expert panel. Criteria: ClinGen Platelet ACMG Specifications v2-1. Collection method: curation. Allele origin: germline. Inheritance: Autosomal recessive inheritance.
Comment: The NM_000419.4:c.2602-3C>A is a splice region variant in intron 25. The variant occurs at a very low frequency in population databases, with 0.00003830 (1/26801 alleles) in the gnomADv2.1.1 Latino/Admixed American population (PM2_supporting). It is reported in one compound heterozygous individual with the c.2602-2A>G and Thr281Ile (PMID: 25373348). GT16 of PMID: 25373348 meets bleeding phenotype, aggregometry criteria, integrin expression is reported to be <5% reduced by flow cytometry, and all exons of ITGA2B and ITGB3 genes as well as surrounding intron regions were sequenced (PP4_strong). In summary, there is insufficient evidence at this time to classify this variant for autosomal recessive Glanzmann thrombasthenia. GT-specific criteria applied: PM2_Supporting, PP4_Strong.